The following is an entry in ClinVar:

ClinVar aggregate classification (germline): Uncertain significance (1 of 4 stars; one submission).

Conditions:
Charcot-Marie-Tooth disease type 2. Also called: Charcot-Marie-Tooth type 2. Identifiers: Orphanet 64746, MedGen C0270914, MONDO:0018993.

Allele frequency attached by ClinVar (database versions not stated): gnomAD 0.00001.
gnomAD v4.1: 4 of 1,613,902 alleles (0.00025%); highest among the groups gnomAD compares: East Asian, 0.0022%; no homozygotes.

Submission:

Labcorp Genetics (formerly Invitae), Labcorp
Classification: Uncertain significance for Charcot-Marie-Tooth disease type 2. Last evaluated: 2024-08-15. Review status: criteria provided, single submitter. Criteria: Invitae Variant Classification Sherloc (09022015). Collection method: clinical testing. Allele origin: germline.
Comment: This sequence change replaces alanine, which is neutral and non-polar, with proline, which is neutral and non-polar, at codon 118 of the AARS protein (p.Ala118Pro). The frequency data for this variant in the population databases is considered unreliable, as metrics indicate poor data quality at this position in the gnomAD database. This variant has not been reported in the literature in individuals affected with AARS-related conditions. Invitae Evidence Modeling of protein sequence and biophysical properties (such as structural, functional, and spatial information, amino acid conservation, physicochemical variation, residue mobility, and thermodynamic stability) has been performed for this missense variant. However, the output from this modeling did not meet the statistical confidence thresholds required to predict the impact of this variant on AARS protein function. In summary, the available evidence is currently insufficient to determine the role of this variant in disease. Therefore, it has been classified as a Variant of Uncertain Significance.

NM_001605.3(AARS1):c.352G>C (p.Ala118Pro)

Gene: AARS1 (alanyl-tRNA synthetase 1; minus strand). Cytogenetic location: 16q22.1.
Variant type: single nucleotide variant.
Coding change: c.352G>C on transcript NM_001605.3 (MANE Select); coding-DNA position 352, G replaced by C.
Protein change: p.Ala118Pro; replaces alanine 118 with proline.
Molecular consequence: missense variant.
Genome position (GRCh38, 1-based): chr16:70,276,613, C>G on the plus strand (G>C on the coding strand, the complement: AARS1 is on the minus strand). VCF-style: chr16-70276613-C-G. GRCh37 (hg19) VCF-style: chr16-70310516-C-G.
Other names: short protein forms A118P.
Identifiers: ClinVar variation 2999898 (VCV002999898.3), dbSNP rs1204530358, ClinGen allele CA396569112.